The following is an entry in ClinVar:

NM_054027.6(ANKH):c.*6386G>C

Genes: ANKH (ANKH inorganic pyrophosphate transport regulator; minus strand), OTULIN (OTU deubiquitinase with linear linkage specificity; plus strand). Cytogenetic location: 5p15.2.
Variant type: single nucleotide variant.
Coding change: c.*6386G>C on transcript NM_054027.6 (MANE Select); 6386 bases downstream of the stop codon, G replaced by C.
Molecular consequence: 3 prime UTR variant.
Genome position (GRCh38, 1-based): chr5:14,704,811, C>G on the plus strand (G>C on the coding strand, the complement: ANKH is on the minus strand). VCF-style: chr5-14704811-C-G. GRCh37 (hg19) VCF-style: chr5-14704920-C-G.
Identifiers: ClinVar variation 351387 (VCV000351387.5), dbSNP rs145195435, ClinGen allele CA10623127.

ClinVar aggregate classification (germline): Benign. Review status: criteria provided, single submitter (1 of 4 stars). 2 submissions from 1 submitter: Benign (2). Last evaluated 2018-01-12.

Conditions:
Chondrocalcinosis 2. Also called: CALCIUM GOUT; CALCIUM PYROPHOSPHATE ARTHROPATHY; Familial calcium pyrophosphate deposition. Identifiers: Orphanet 1416, MedGen C0856830, MONDO:0007319, OMIM 118600.
Craniometaphyseal dysplasia, autosomal dominant (CMDD). Identifiers: Orphanet 1522, MedGen C1852502, MONDO:0007397, OMIM 123000.

Allele frequency attached by ClinVar (database versions not stated): 1000 Genomes Project 0.00539; gnomAD 0.00546 and 0.00582; TOPMed 0.00607; 1000 Genomes Project 30x 0.00640.

Submissions (2):

Illumina Laboratory Services, Illumina
Classification: Benign for Chondrocalcinosis 2. Last evaluated: 2018-01-12. Review status: criteria provided, single submitter. Criteria: ICSL Variant Classification Criteria 13 December 2019. Collection method: clinical testing. Allele origin: germline.
Comment: This variant was observed in the ICSL laboratory as part of a predisposition screen in an ostensibly healthy population. It had not been previously curated by ICSL or reported in the Human Gene Mutation Database (HGMD: prior to June 1st, 2018), and was therefore a candidate for classification through an automated scoring system. Utilizing variant allele frequency, disease prevalence and penetrance estimates, and inheritance mode, an automated score was calculated to assess if this variant is too frequent to cause the disease. Based on the score and internal cut-off values, a variant classified as benign is not then subjected to further curation. The score for this variant resulted in a classification of benign for this disease.

Illumina Laboratory Services, Illumina
Classification: Benign for Craniometaphyseal dysplasia, autosomal dominant. Last evaluated: 2018-01-12. Review status: criteria provided, single submitter. Criteria: ICSL Variant Classification Criteria 13 December 2019. Collection method: clinical testing. Allele origin: germline.
Comment: the same text as in the submission from Illumina Laboratory Services, Illumina above.